The following is an entry in ClinVar:

NM_004205.5(USP2):c.158C>T (p.Pro53Leu)

Gene: USP2 (ubiquitin specific peptidase 2; minus strand). Cytogenetic location: 11q23.3.
Variant type: single nucleotide variant.
Coding change: c.158C>T on transcript NM_004205.5 (MANE Select); coding-DNA position 158, C replaced by T.
Protein change: p.Pro53Leu; replaces proline 53 with leucine.
Molecular consequence: missense variant. On other transcripts: intron variant (1).
Genome position (GRCh38, 1-based): chr11:119,373,323, G>A on the plus strand (C>T on the coding strand, the complement: USP2 is on the minus strand). VCF-style: chr11-119373323-G-A. GRCh37 (hg19) VCF-style: chr11-119244033-G-A.
Other names: c.45+8150C>T (NM_001243759.2); short protein forms P53L.
Identifiers: ClinVar variation 2642466 (VCV002642466.24), dbSNP rs142496697, ClinGen allele CA6321333.

ClinVar aggregate classification (germline): Likely benign (1 of 4 stars; one submission).

Allele frequency attached by ClinVar (database versions not stated): gnomAD exomes 0.00018; ExAC 0.00043; 1000 Genomes Project 0.00120; 1000 Genomes Project 30x 0.00141; ESP Exome Variant Server 0.00154; gnomAD 0.00156; TOPMed 0.00171.
gnomAD v4.1: 537 of 1,613,370 alleles (0.033%); highest among the groups gnomAD compares: African/African-American, 0.56%; 7 homozygotes.

Submission:

CeGaT Center for Human Genetics Tuebingen
Classification: Likely benign. Last evaluated: 2022-06-01. Review status: criteria provided, single submitter. Criteria: CeGaT Center For Human Genetics Tuebingen Variant Classification Criteria Version 2. Collection method: clinical testing. Allele origin: germline. Affected: yes. Observed: 1 variant allele.
Comment: USP2: BS2